The following is an entry in ClinVar:

ClinVar aggregate classification (germline): Uncertain significance (1 of 4 stars; one submission).

Conditions:
Inborn genetic diseases. Identifiers: MedGen C0950123, MeSH D030342.

Submission:

Ambry Genetics
Classification: Uncertain significance for Inborn genetic diseases. Last evaluated: 2023-01-27. Review status: criteria provided, single submitter. Criteria: Ambry Variant Classification Scheme 2023. Collection method: clinical testing. Allele origin: germline.
Comment: The p.G462V variant (also known as c.1385G>T), located in coding exon 12 of the LRRK2 gene, results from a G to T substitution at nucleotide position 1385. The glycine at codon 462 is replaced by valine, an amino acid with dissimilar properties. This amino acid position is conserved. In addition, the in silico prediction for this alteration is inconclusive. Since supporting evidence is limited at this time, the clinical significance of this alteration remains unclear.

NM_198578.4(LRRK2):c.1385G>T (p.Gly462Val)

Gene: LRRK2 (leucine rich repeat kinase 2; plus strand). Cytogenetic location: 12q12.
Variant type: single nucleotide variant.
Coding change: c.1385G>T on transcript NM_198578.4 (MANE Select); coding-DNA position 1385, G replaced by T.
Protein change: p.Gly462Val; replaces glycine 462 with valine.
Molecular consequence: missense variant.
Genome position (GRCh38, 1-based): chr12:40,257,344, G>T. VCF-style: chr12-40257344-G-T. GRCh37 (hg19) VCF-style: chr12-40651146-G-T.
Other names: short protein forms G462V.
Identifiers: ClinVar variation 2447268 (VCV002447268.2), dbSNP rs2499538188, ClinGen allele CA384410786.